The following is an entry in ClinVar:

NM_007186.6(CEP250):c.7084C>T (p.Gln2362Ter)

Gene: CEP250 (centrosomal protein 250; plus strand). Cytogenetic location: 20q11.22.
Variant type: single nucleotide variant.
Coding change: c.7084C>T on transcript NM_007186.6 (MANE Select); coding-DNA position 7084, C replaced by T.
Protein change: p.Gln2362Ter; replaces glutamine 2362 with a stop codon.
Molecular consequence: nonsense.
Genome position (GRCh38, 1-based): chr20:35,511,381, C>T. VCF-style: chr20-35511381-C-T. GRCh37 (hg19) VCF-style: chr20-34099210-C-T.
Other names: c.5188C>T, p.Gln1730Ter (NM_001318219.1); short protein forms Q1730*, Q2362*.
Identifiers: ClinVar variation 1023670 (VCV001023670.8), dbSNP rs769393021, ClinGen allele CA9834247.

ClinVar aggregate classification (germline): Uncertain significance. Review status: criteria provided, multiple submitters, no conflicts (2 of 4 stars). 3 submissions from 3 submitters: Uncertain significance (3). Last evaluated 2024-07-23.

Conditions:
Cone-rod dystrophy and hearing loss 2 (CRDHL2). Identifiers: MedGen C5193051, MONDO:0020780, OMIM 618358.

Allele frequency attached by ClinVar (database versions not stated): gnomAD 0.00001; ExAC 0.00002; gnomAD exomes 0.00002 and 0.00003; TOPMed 0.00002.
gnomAD v4.1: 44 of 1,609,038 alleles (0.0027%); highest among the groups gnomAD compares: Non-Finnish European, 0.0037%; no homozygotes.

Submissions (3):

Blueprint Genetics
Classification: Uncertain significance. Last evaluated: 2024-07-23. Review status: criteria provided, single submitter. Criteria: ACMG Guidelines, 2015. Collection method: clinical testing. Allele origin: germline.

Department of Pathology and Laboratory Medicine, Sinai Health System
Classification: Uncertain significance for cone-rod dystrophy and hearing loss 2. Last evaluated: 2023-05-29. Review status: criteria provided, single submitter. Criteria: ACMG Guidelines, 2015. Collection method: research. Allele origin: germline.

Labcorp Genetics (formerly Invitae), Labcorp
Classification: Uncertain significance. Last evaluated: 2023-05-08. Review status: criteria provided, single submitter. Criteria: Invitae Variant Classification Sherloc (09022015). Collection method: clinical testing. Allele origin: germline.
Comment: This variant has not been reported in the literature in individuals affected with CEP250-related conditions. This variant is present in population databases (rs769393021, gnomAD 0.005%). This sequence change creates a premature translational stop signal (p.Gln2362*) in the CEP250 gene. While this is not anticipated to result in nonsense mediated decay, it is expected to disrupt the last 81 amino acid(s) of the CEP250 protein. ClinVar contains an entry for this variant (Variation ID: 1023670). In summary, the available evidence is currently insufficient to determine the role of this variant in disease. Therefore, it has been classified as a Variant of Uncertain Significance. Experimental studies and prediction algorithms are not available or were not evaluated, and the functional significance of this variant is currently unknown.